The following is an entry in ClinVar:

NM_018245.3(OGDHL):c.1995G>A (p.Val665=)

Gene: OGDHL (oxoglutarate dehydrogenase L; minus strand). Cytogenetic location: 10q11.23.
Variant type: single nucleotide variant.
Coding change: c.1995G>A on transcript NM_018245.3 (MANE Select); coding-DNA position 1995, G replaced by A.
Protein change: p.Val665=; no amino-acid change (valine 665 retained).
Molecular consequence: synonymous variant. On other transcripts: non-coding transcript variant (5).
Genome position (GRCh38, 1-based): chr10:49,742,845, C>T on the plus strand (G>A on the coding strand, the complement: OGDHL is on the minus strand). VCF-style: chr10-49742845-C-T. GRCh37 (hg19) VCF-style: chr10-50950891-C-T.
Other names: c.1824G>A, p.Val608= (NM_001143996.2, NM_001347820.1); c.1368G>A, p.Val456= (NM_001143997.2, NM_001347821.2, NM_001347822.1); c.1995G>A, p.Val665= (NM_001347819.1); c.1815G>A, p.Val605= (NM_001347823.1, NM_001347824.2); c.1188G>A, p.Val396= (NM_001347825.2); c.798G>A, p.Val266= (NM_001347826.1); c.1995G>A (NM_018245.2).
Identifiers: ClinVar variation 771740 (VCV000771740.29), dbSNP rs147924096, ClinGen allele CA5498351.

ClinVar aggregate classification (germline): Benign/Likely benign. Review status: criteria provided, multiple submitters, no conflicts (2 of 4 stars). 4 submissions from 4 submitters: Benign (3); Likely benign (1). Last evaluated 2026-07-01.

Conditions:
OGDHL-related disorder. Also called: OGDHL-related condition.

Allele frequency attached by ClinVar (database versions not stated): 1000 Genomes Project 0.00160; 1000 Genomes Project 30x 0.00172; TOPMed 0.00323; ESP Exome Variant Server 0.00423.
gnomAD v4.1: 6,927 of 1,613,362 alleles (0.43%); highest among the groups gnomAD compares: Middle Eastern, 1.4%; 43 homozygotes.

Submissions (4):

CeGaT Center for Human Genetics Tuebingen
Classification: Likely benign. Last evaluated: 2026-07-01. Review status: criteria provided, single submitter. Criteria: CeGaT Center For Human Genetics Tuebingen Variant Classification Criteria Version 2. Collection method: clinical testing. Allele origin: germline. Affected: yes. Observed: 8 variant alleles.
Comment: OGDHL: BP4, BS2

PreventionGenetics, part of Exact Sciences
Classification: Benign for OGDHL-related condition. Last evaluated: 2025-06-26. Review status: criteria provided, single submitter. Criteria: ACMG Guidelines, 2015. Collection method: clinical testing. Allele origin: germline.
Comment: This variant is classified as benign based on ACMG/AMP sequence variant interpretation guidelines (Richards et al. 2015 PMID: 25741868, with internal and published modifications).

Labcorp Genetics (formerly Invitae), Labcorp
Classification: Benign. Last evaluated: 2018-08-15. Review status: criteria provided, single submitter. Criteria: Invitae Variant Classification Sherloc (09022015). Collection method: clinical testing. Allele origin: germline.

Breakthrough Genomics
Classification: Benign. Review status: criteria provided, single submitter. Criteria: ACMG Guidelines, 2015. Collection method: not provided. Allele origin: germline. Inheritance: Autosomal recessive inheritance. Affected: yes.